The following is an entry in ClinVar:

NM_015656.2(KIF26A):c.2332G>A (p.Asp778Asn)

Gene: KIF26A (kinesin family member 26A; plus strand). Cytogenetic location: 14q32.33.
Variant type: single nucleotide variant.
Coding change: c.2332G>A on transcript NM_015656.2 (MANE Select); coding-DNA position 2332, G replaced by A.
Protein change: p.Asp778Asn; replaces aspartic acid 778 with asparagine.
Molecular consequence: missense variant.
Genome position (GRCh38, 1-based): chr14:104,175,120, G>A. VCF-style: chr14-104175120-G-A. GRCh37 (hg19) VCF-style: chr14-104641457-G-A.
Other names: short protein forms D778N.
Identifiers: ClinVar variation 4043334 (VCV004043334.1).

ClinVar aggregate classification (germline): Uncertain significance (1 of 4 stars; one submission).

gnomAD v4.1: 26 of 1,606,058 alleles (0.0016%); highest among the groups gnomAD compares: Middle Eastern, 0.033%; 1 homozygote.

Submission:

Ambry Genetics
Classification: Uncertain significance. Last evaluated: 2025-04-13. Review status: criteria provided, single submitter. Criteria: Ambry Variant Classification Scheme 2023. Collection method: clinical testing. Allele origin: germline.
Comment: The c.2332G>A (p.D778N) alteration is located in exon coding exon 12 of the KIF26A gene. This alteration results from a G to A substitution at nucleotide position 2332, causing the aspartic acid (D) at amino acid position 778 to be replaced by an asparagine (N). Based on insufficient or conflicting evidence, the clinical significance of this alteration remains unclear.